The following is an entry in ClinVar:

ClinVar aggregate classification (germline): Uncertain significance. Review status: criteria provided, multiple submitters, no conflicts (2 of 4 stars). 2 submissions from 2 submitters: Uncertain significance (2). Last evaluated 2024-02-16.

Conditions:
Inborn genetic diseases. Identifiers: MedGen C0950123, MeSH D030342.
Epidermolysis bullosa simplex 5C, with pyloric atresia (EBS5C). Also called: PLEC1-Related Epidermolysis Bullosa with Pyloric Atresia; PLEC-Related Epidermolysis Bullosa with Pyloric Atresia; Epidermolysis bullosa simplex with pyloric atresia. Identifiers: Orphanet 158684, MedGen C2677349, MONDO:0012807, OMIM 612138.
Epidermolysis bullosa simplex 5B, with muscular dystrophy (EBS5B). Also called: EPIDERMOLYSIS BULLOSA SIMPLEX AND LIMB-GIRDLE MUSCULAR DYSTROPHY; Epidermolysis bullosa simplex with muscular dystrophy. Identifiers: Orphanet 257, MedGen C2931072, MONDO:0009181, OMIM 226670.
Epidermolysis bullosa simplex, Ogna type (EBS5A). Also called: Pidermolysis bullosa simplex 5A, Ogna type; EPIDERMOLYSIS BULLOSA SIMPLEX 5A, OGNA TYPE. Identifiers: Orphanet 79401, MedGen C0432317, MONDO:0007555, OMIM 131950.
Autosomal recessive limb-girdle muscular dystrophy type 2Q (LGMDR17). Also called: MUSCULAR DYSTROPHY, LIMB-GIRDLE, AUTOSOMAL RECESSIVE 17. Identifiers: Orphanet 254361, MedGen C3150989, MONDO:0013390, OMIM 613723.
Epidermolysis bullosa simplex with nail dystrophy (EBS5D). Identifiers: MedGen C4225309, MONDO:0014661, OMIM 616487.

Allele frequency attached by ClinVar (database versions not stated): ExAC 0.00001; TOPMed 0.00001; gnomAD 0.00003; gnomAD exomes 0.00004.

Submissions (2):

Labcorp Genetics (formerly Invitae), Labcorp
Classification: Uncertain significance for Autosomal recessive limb-girdle muscular dystrophy type 2Q; Epidermolysis bullosa simplex, Ogna type; Epidermolysis bullosa simplex with nail dystrophy; Epidermolysis bullosa simplex 5C, with pyloric atresia; Epidermolysis bullosa simplex 5B, with muscular dystrophy. Last evaluated: 2024-02-16. Review status: criteria provided, single submitter. Criteria: Invitae Variant Classification Sherloc (09022015). Collection method: clinical testing. Allele origin: germline.
Comment: This sequence change replaces leucine, which is neutral and non-polar, with proline, which is neutral and non-polar, at codon 3389 of the PLEC protein (p.Leu3389Pro). This variant is present in population databases (rs782120217, gnomAD no frequency). This variant has not been reported in the literature in individuals affected with PLEC-related conditions. An algorithm developed to predict the effect of missense changes on protein structure and function (PolyPhen-2) suggests that this variant is likely to be disruptive. In summary, the available evidence is currently insufficient to determine the role of this variant in disease. Therefore, it has been classified as a Variant of Uncertain Significance.

Ambry Genetics
Classification: Uncertain significance for Inborn genetic diseases. Last evaluated: 2023-12-15. Review status: criteria provided, single submitter. Criteria: Ambry Variant Classification Scheme 2023. Collection method: clinical testing. Allele origin: germline.

NM_201384.3(PLEC):c.10085T>C (p.Leu3362Pro)

Gene: PLEC (plectin; minus strand). Cytogenetic location: 8q24.3.
Variant type: single nucleotide variant.
Coding change: c.10085T>C on transcript NM_201384.3 (MANE Select); coding-DNA position 10085, T replaced by C.
Protein change: p.Leu3362Pro; replaces leucine 3362 with proline.
Molecular consequence: missense variant.
Genome position (GRCh38, 1-based): chr8:143,919,736, A>G on the plus strand (T>C on the coding strand, the complement: PLEC is on the minus strand). VCF-style: chr8-143919736-A-G. GRCh37 (hg19) VCF-style: chr8-144993904-A-G.
Other names: c.10166T>C, p.Leu3389Pro (NM_000445.5); c.6785T>C, p.Leu2262Pro (NM_001410941.1); c.10043T>C, p.Leu3348Pro (NM_201378.4); c.10019T>C, p.Leu3340Pro (NM_201379.3); c.10496T>C, p.Leu3499Pro (NM_201380.4); c.9989T>C, p.Leu3330Pro (NM_201381.3); c.10085T>C, p.Leu3362Pro (NM_201382.4); c.10097T>C, p.Leu3366Pro (NM_201383.3); short protein forms L2262P, L3330P, L3340P, L3366P, L3389P, L3499P, L3348P, L3362P.
Identifiers: ClinVar variation 3214678 (VCV003214678.3), dbSNP rs782120217, ClinGen allele CA4924758.